The following is an entry in ClinVar:

NM_000237.3(LPL):c.928T>C (p.Cys310Arg)

Gene: LPL (lipoprotein lipase; plus strand). Cytogenetic location: 8p21.3.
Variant type: single nucleotide variant.
Coding change: c.928T>C on transcript NM_000237.3 (MANE Select); coding-DNA position 928, T replaced by C.
Protein change: p.Cys310Arg; replaces cysteine 310 with arginine.
Molecular consequence: missense variant.
Genome position (GRCh38, 1-based): chr8:19,955,993, T>C. VCF-style: chr8-19955993-T-C. GRCh37 (hg19) VCF-style: chr8-19813504-T-C.
Other names: short protein forms C310R.
Identifiers: ClinVar variation 226449 (VCV000226449.3), dbSNP rs886037774, ClinGen allele CA10602402.

ClinVar aggregate classification (germline): Likely pathogenic. Review status: criteria provided, single submitter (1 of 4 stars). 2 submissions from 2 submitters: Likely pathogenic (1). 1 of the submissions does not count toward it. Last evaluated 2025-03-31.

Conditions:
Hyperlipoproteinemia, type I. Also called: Lipoprotein Lipase Deficiency; Hyperlipoproteinemia type 1; Hyperchylomicro-nemia familial; Familial chylomicronemia; Hyperlipemia idiopathic Burger-Grutz type; Familial hyperlipo-proteinemia type 1. Identifiers: Orphanet 309015, Orphanet 444490, MedGen C0023817, MONDO:0009387, OMIM 238600. Disease mechanism: loss of function.

Submissions (2):

Natera, Inc.
Classification: Likely pathogenic for Lipoprotein lipase deficiency. Last evaluated: 2025-03-31. Review status: criteria provided, single submitter. Criteria: Natera Variant Classification Schema (03/2026). Collection method: clinical testing. Allele origin: germline.
Comment: The c.928T>C variant in LPL is a missense variant predicted to cause substitution of cysteine to arginine at amino acid 310. This variant is rare in the general population with a frequency below the threshold expected for the associated phenotype(s). This variant has been observed in one or more individuals affected with the associated recessive disease, as either homozygous or compound heterozygous with a second variant (PMID: 37858495, 35960041, 28548960). Functional studies show that this variant may disrupt protein function (PMID: 32703455). Computational prediction algorithms indicate this variant is likely to affect gene or protein function. Given the available evidence, this variant is classified as Likely Pathogenic.

Department of Endocrinology, The Affiliated hospital of QingDao University
Classification: Likely pathogenic for Hyperlipoproteinemia, type I. Last evaluated: 2015-09-30. Review status: no assertion criteria provided. Collection method: clinical testing. Allele origin: germline. Affected: yes. Observed: 3 variant alleles, 2 heterozygotes, 1 compound heterozygote. Clinical features observed: Hyperchylomicronemia, Pancreatitis, Episodic abdominal pain, Nausea, Vomiting. Not counted in ClinVar's aggregate classification.

Literature cited by the submitters: PubMed 37858495 (cited by Natera, Inc.); PubMed 35960041 (cited by Natera, Inc.); PubMed 28548960 (cited by Natera, Inc.); PubMed 32703455 (cited by Natera, Inc.).